The following is an entry in ClinVar:

ClinVar aggregate classification (germline): Uncertain significance (1 of 4 stars; one submission).

gnomAD v4.1: 48 of 1,613,014 alleles (0.003%); highest among the groups gnomAD compares: East Asian, 0.016%; no homozygotes.

Submission:

Dasa
Classification: Uncertain significance. Last evaluated: 2025-12-22. Review status: criteria provided, single submitter. Criteria: DASA Assertion Criteria. Collection method: clinical testing. Allele origin: germline.
Comment: NM_015466.4(PTPN23):c.1797+37C>T is an intronic variant. This variant has been observed in affected individuals with PTPN23-related disorders. Also, this variant is rare in population databases. The currently available literature and clinical evidence are not sufficient to establish a definitive association between this variant and the reported condition. Therefore, this variant is classified as a variant of uncertain significance.

NM_015466.4(PTPN23):c.1797+37C>T

Gene: PTPN23 (protein tyrosine phosphatase non-receptor type 23; plus strand). Cytogenetic location: 3p21.31.
Variant type: single nucleotide variant.
Coding change: c.1797+37C>T on transcript NM_015466.4 (MANE Select); 37 bases into the intron after coding-DNA position 1797, C replaced by T.
Molecular consequence: intron variant.
Genome position (GRCh38, 1-based): chr3:47,409,354, C>T. VCF-style: chr3-47409354-C-T. GRCh37 (hg19) VCF-style: chr3-47450844-C-T.
Other names: c.1419+37C>T (NM_001304482.2).
Identifiers: ClinVar variation 4885443 (VCV004885443.2).